The following is an entry in ClinVar:

ClinVar aggregate classification (germline): Uncertain significance (1 of 4 stars; one submission).

Conditions:
Hereditary cancer-predisposing syndrome. Also called: Neoplastic Syndromes, Hereditary; Tumor predisposition; Hereditary Cancer Syndrome; Hereditary neoplastic syndrome. Identifiers: Orphanet 140162, MedGen C0027672, MeSH D009386, MONDO:0015356.

Submission:

Ambry Genetics
Classification: Uncertain significance for Hereditary cancer-predisposing syndrome. Last evaluated: 2020-01-10. Review status: criteria provided, single submitter. Criteria: Ambry Variant Classification Scheme 2023. Collection method: clinical testing. Allele origin: germline.
Comment: The c.1156_1157delGGinsAC variant, located in coding exon 10 of the CHEK2 gene, results from an in-frame deletion of GG and insertion of AC at nucleotide positions 1156 to 1157. This results in the substitution of the glycine residue for a threonine residue at codon 386, an amino acid with similar properties. This amino acid position is highly conserved in available vertebrate species. In addition, this alteration is predicted to be deleterious by in silico analysis (Choi Y et al. PLoS ONE. 2012; 7(10):e46688). Since supporting evidence is limited at this time, the clinical significance of this alteration remains unclear.

NM_007194.4(CHEK2):c.1156_1157delinsAC (p.Gly386Thr)

Gene: CHEK2 (checkpoint kinase 2; minus strand). Cytogenetic location: 22q12.1.
Variant type: Indel.
Coding change: c.1156_1157delinsAC on transcript NM_007194.4 (MANE Select); coding-DNA positions 1156 to 1157, GG replaced by AC.
Protein change: p.Gly386Thr; replaces glycine 386 with threonine.
Molecular consequence: missense variant.
Genome position (GRCh38, 1-based): chr22:28,695,812-28,695,813, CC replaced by GT on the plus strand (GG replaced by AC on the coding strand, the reverse complement: CHEK2 is on the minus strand). VCF-style: chr22-28695812-CC-GT. GRCh37 (hg19) VCF-style: chr22-29091800-CC-GT.
Other names: c.1285_1286delGGinsAC, p.Gly429Thr (NM_001005735.3); c.493_494delGGinsAC, p.Gly165Thr (NM_001257387.3); c.955_956delGGinsAC, p.Gly319Thr (NM_001349956.3); c.1069_1070delGGinsAC, p.Gly357Thr (NM_145862.3); short protein forms G165T, G357T, G386T, G319T, G429T.
Identifiers: ClinVar variation 1735310 (VCV001735310.2), dbSNP rs2517807932, ClinGen allele CA2580099514.